The following is an entry in ClinVar:

NM_173689.7(CRB2):c.2325C>A (p.Cys775Ter)

Gene: CRB2 (crumbs cell polarity complex component 2; plus strand). Cytogenetic location: 9q33.3.
Variant type: single nucleotide variant.
Coding change: c.2325C>A on transcript NM_173689.7 (MANE Select); coding-DNA position 2325, C replaced by A.
Protein change: p.Cys775Ter; replaces cysteine 775 with a stop codon.
Molecular consequence: nonsense. On other transcripts: non-coding transcript variant (1).
Genome position (GRCh38, 1-based): chr9:123,371,467, C>A. VCF-style: chr9-123371467-C-A. GRCh37 (hg19) VCF-style: chr9-126133746-C-A.
Other names: short protein forms C775*.
Identifiers: ClinVar variation 4857039 (VCV004857039.1).

ClinVar aggregate classification (germline): Pathogenic (1 of 4 stars; one submission).

Conditions:
Ventriculomegaly-cystic kidney disease. Also called: Ventriculomegaly with cystic kidney disease. Identifiers: Orphanet 443988, MedGen C1857423, MONDO:0009063, OMIM 219730.

Submission:

Molecular Genetics laboratory, Necker Hospital
Classification: Pathogenic for Ventriculomegaly-cystic kidney disease. Last evaluated: 2026-06-20. Review status: criteria provided, single submitter. Criteria: ACMG Guidelines, 2015. Collection method: clinical testing. Allele origin: paternal. Affected: yes. Observed: 1 variant allele.
Comment: The NM_173689.7(CRB2):c.2325C>A is a nonsense variant in CRB2 which is predicted to result in a premature STOP codon at position 775 and likely results in an absent or disrupted protein product in a gene where biallelic loss-of-function variants are known to be responsible for Ventriculomegaly with cystic kidney disease (PVS1). This variant is not present in gnomAD (PM2; version 4.1.1) and multiple lines of computational evidence support a deleterious effect on the gene (PP3). This variant has been detected in trans with another variant pathogenic NM_173689.7(CRB2):c.2400C>A (PM3). In summary, this variant meets criteria to be classified as pathogenic for ventriculomegaly with cystic kidney disease based on the ACMG/AMP criteria applied: PVS1, PM2, PM3, PP3 (PMID: 25741868). In summary, this variant meets criteria to be classified as pathogenic for ventriculomegaly with cystic kidney disease based on the ACMG/AMP criteria applied: PS1, PM1, PM2, PM3, PP1, PP3 (PMID: 25741868).